The following is an entry in ClinVar:

NM_139027.6(ADAMTS13):c.1007C>G (p.Ser336Cys)

Gene: ADAMTS13 (ADAM metallopeptidase with thrombospondin type 1 motif 13; plus strand). Cytogenetic location: 9q34.2.
Variant type: single nucleotide variant.
Coding change: c.1007C>G on transcript NM_139027.6 (MANE Select); coding-DNA position 1007, C replaced by G.
Protein change: p.Ser336Cys; replaces serine 336 with cysteine.
Molecular consequence: missense variant. On other transcripts: non-coding transcript variant (1).
Genome position (GRCh38, 1-based): chr9:133,432,607, C>G. VCF-style: chr9-133432607-C-G. GRCh37 (hg19) VCF-style: chr9-136297728-C-G.
Other names: p.Ser336Cys; c.1007C>G, p.Ser336Cys (NM_139025.5); c.914C>G, p.Ser305Cys (NM_139026.6); short protein forms S305C, S336C.
Identifiers: ClinVar variation 2683074 (VCV002683074.1), dbSNP rs2491153279, ClinGen allele CA375388349.

ClinVar aggregate classification (germline): Uncertain significance (1 of 4 stars; one submission).

Submission:

Mayo Clinic Laboratories, Mayo Clinic
Classification: Uncertain significance. Last evaluated: 2023-04-10. Review status: criteria provided, single submitter. Criteria: ACMG Guidelines, 2015. Collection method: clinical testing. Allele origin: germline. Observed: 1 variant allele.
Comment: PP4, PM1, PM2_supporting, PM3_supporting

Literature cited by the submitters: PubMed 31439947.